The following is an entry in ClinVar:

ClinVar aggregate classification (germline): Benign/Likely benign. Review status: criteria provided, multiple submitters, no conflicts (2 of 4 stars). 4 submissions from 4 submitters: Benign (3); Likely benign (1). Last evaluated 2026-01-28.

Conditions:
RYR1-related disorder. Also called: RYR1-related condition; RYR1-related disorders. Identifiers: MedGen CN239331.

Allele frequency attached by ClinVar (database versions not stated): ExAC 0.00155; 1000 Genomes Project 0.00399; 1000 Genomes Project 30x 0.00406; gnomAD 0.00471 and 0.00501; gnomAD exomes 0.00039 and 0.00121; ESP Exome Variant Server 0.00538; TOPMed 0.00551.
gnomAD v4.1: 1,332 of 1,610,354 alleles (0.083%); highest among the groups gnomAD compares: African/African-American, 1.5%; 15 homozygotes.

Submissions (4):

Labcorp Genetics (formerly Invitae), Labcorp
Classification: Benign for RYR1-related disorder. Last evaluated: 2026-01-28. Review status: criteria provided, single submitter. Criteria: Invitae Variant Classification Sherloc (09022015). Collection method: clinical testing. Allele origin: germline.

Blueprint Genetics
Classification: Likely benign. Last evaluated: 2024-10-03. Review status: criteria provided, single submitter. Criteria: ACMG Guidelines, 2015. Collection method: clinical testing. Allele origin: germline.

PreventionGenetics, part of Exact Sciences
Classification: Benign. Last evaluated: 2018-03-13. Review status: criteria provided, single submitter. Criteria: ACMG Guidelines, 2015. Collection method: clinical testing. Allele origin: germline.

GeneDx
Classification: Benign. Last evaluated: 2017-06-16. Review status: criteria provided, single submitter. Criteria: GeneDx Variant Classification (06012015). Collection method: clinical testing. Allele origin: germline. Affected: yes.
Comment: This variant is considered likely benign or benign based on one or more of the following criteria: it is a conservative change, it occurs at a poorly conserved position in the protein, it is predicted to be benign by multiple in silico algorithms, and/or has population frequency not consistent with disease.

NM_000540.3(RYR1):c.14969+16G>A

Gene: RYR1 (ryanodine receptor 1; plus strand). Cytogenetic location: 19q13.2.
Variant type: single nucleotide variant.
Coding change: c.14969+16G>A on transcript NM_000540.3 (MANE Select); 16 bases into the intron after coding-DNA position 14969, G replaced by A.
Molecular consequence: intron variant.
Genome position (GRCh38, 1-based): chr19:38,586,207, G>A. VCF-style: chr19-38586207-G-A. GRCh37 (hg19) VCF-style: chr19-39076847-G-A.
Other names: c.14954+16G>A (NM_001042723.2).
Identifiers: ClinVar variation 256452 (VCV000256452.10), dbSNP rs145776846, ClinGen allele CA061865.